The following is an entry in ClinVar:

NM_020738.4(KIDINS220):c.3960_3963del (p.Ser1320fs)

Gene: KIDINS220 (kinase D interacting substrate 220; minus strand). Cytogenetic location: 2p25.1.
Variant type: Microsatellite.
Coding change: c.3960_3963del on transcript NM_020738.4 (MANE Select); coding-DNA positions 3960 to 3963, 4 bases deleted (CCAG; older notation c.3960_3963delCCAG).
Protein change: p.Ser1320fs; shifts the reading frame from serine 1320.
Molecular consequence: frameshift variant. On other transcripts: non-coding transcript variant (2).
Genome position (GRCh38, 1-based): chr2:8,733,534-8,733,537, CTGG deleted on the plus strand (CCAG on the coding strand, the reverse complement: KIDINS220 is on the minus strand); deleting any 4 consecutive bases within chr2:8,733,534-8,733,541 gives the same sequence; the c. name uses the placement nearest the transcript's 3' end. VCF-style (leftmost placement, unchanged base first): chr2-8733533-TCTGG-T. GRCh37 (hg19) VCF-style: chr2-8873663-TCTGG-T.
Other names: c.3963_3966del, p.Ser1321fs (NM_001348729.2); c.3906_3909del, p.Ser1302fs (NM_001348731.2); c.3903_3906del, p.Ser1301fs (NM_001348732.2, NM_001348738.2); c.3792_3795del, p.Ser1264fs (NM_001348734.2, NM_001348739.2, NM_001348740.2); c.3789_3792del, p.Ser1263fs (NM_001348735.2, NM_001348741.2, NM_001348742.2 and 1 more transcripts); c.3663_3666del, p.Ser1221fs (NM_001348736.2); short protein forms S1221fs, S1263fs, S1264fs, S1301fs, S1302fs, S1320fs, S1321fs.
Identifiers: ClinVar variation 4854986 (VCV004854986.1).
Genomic context (GRCh38, chr2:8,733,533, plus strand): 5'-CACCTTCATCCAGGCCAAGCGTGTTCAGCTCTTCGAAGCTGAAGTTGAGTGTGTAGGGCG[TCTGG>T]CTGGAGAGCTCGGTGTGAGGCAGCTCGTTGTGGGAAGCGCGGCGAGCAGGCTCACCGTGC-3'

ClinVar aggregate classification (germline): Likely pathogenic (1 of 4 stars; one submission).

Conditions:
Spastic paraplegia, intellectual disability, nystagmus, and obesity. Also called: Spastic paraplegia, intellectual disability, nystagmus, and obesity;. Identifiers: Orphanet 521390, MedGen C4284592, MONDO:0015007, OMIM 617296.

Submission:

3billion
Classification: Likely pathogenic for Spastic paraplegia, intellectual disability, nystagmus, and obesity. Last evaluated: 2025-06-25. Review status: criteria provided, single submitter. Criteria: ACMG Guidelines, 2015. Collection method: clinical testing. Allele origin: germline. Affected: yes.
Comment: The variant is not observed in the gnomAD v4.1.0 dataset. Predicted Consequence/Location: Frameshift: predicted to result in a loss or disruption of normal protein function through nonsense-mediated decay (NMD) or protein truncation. Multiple pathogenic variants are reported downstream of the variant. Therefore, this variant is classified as Likely pathogenic according to the recommendation of ACMG/AMP guideline.